The following is an entry in ClinVar:

NM_004984.4(KIF5A):c.2674C>T (p.Arg892Trp)

Gene: KIF5A (kinesin family member 5A; plus strand). Cytogenetic location: 12q13.3.
Variant type: single nucleotide variant.
Coding change: c.2674C>T on transcript NM_004984.4 (MANE Select); coding-DNA position 2674, C replaced by T.
Protein change: p.Arg892Trp; replaces arginine 892 with tryptophan.
Molecular consequence: missense variant.
Genome position (GRCh38, 1-based): chr12:57,581,091, C>T. VCF-style: chr12-57581091-C-T. GRCh37 (hg19) VCF-style: chr12-57974874-C-T.
Other names: c.2407C>T, p.Arg803Trp (NM_001354705.2); short protein forms R892W, R803W.
Identifiers: ClinVar variation 2738201 (VCV002738201.3), dbSNP rs267603612, ClinGen allele CA6653173.

ClinVar aggregate classification (germline): Uncertain significance (1 of 4 stars; one submission).

Conditions:
Spastic paraplegia. Identifiers: MedGen C0037772, HP:0001258.

Allele frequency attached by ClinVar (database versions not stated): ExAC 0.00002; ESP Exome Variant Server 0.00008.
gnomAD v4.1: 12 of 1,614,102 alleles (0.00074%); highest among the groups gnomAD compares: East Asian, 0.0022%; no homozygotes.

Submission:

Labcorp Genetics (formerly Invitae), Labcorp
Classification: Uncertain significance for Spastic paraplegia. Last evaluated: 2024-08-21. Review status: criteria provided, single submitter. Criteria: Invitae Variant Classification Sherloc (09022015). Collection method: clinical testing. Allele origin: germline.
Comment: This sequence change replaces arginine, which is basic and polar, with tryptophan, which is neutral and slightly polar, at codon 892 of the KIF5A protein (p.Arg892Trp). This variant is present in population databases (rs267603612, gnomAD 0.006%). This variant has not been reported in the literature in individuals affected with KIF5A-related conditions. Invitae Evidence Modeling of protein sequence and biophysical properties (such as structural, functional, and spatial information, amino acid conservation, physicochemical variation, residue mobility, and thermodynamic stability) has been performed for this missense variant. However, the output from this modeling did not meet the statistical confidence thresholds required to predict the impact of this variant on KIF5A protein function. In summary, the available evidence is currently insufficient to determine the role of this variant in disease. Therefore, it has been classified as a Variant of Uncertain Significance.